The following is an entry in ClinVar:

NM_052964.4(CLNK):c.1083A>C (p.Ile361=)

Gene: CLNK (cytokine dependent hematopoietic cell linker; minus strand). Cytogenetic location: 4p16.1.
Variant type: single nucleotide variant.
Coding change: c.1083A>C on transcript NM_052964.4 (MANE Select); coding-DNA position 1083, A replaced by C.
Protein change: p.Ile361=; no amino-acid change (isoleucine 361 retained).
Molecular consequence: synonymous variant.
Genome position (GRCh38, 1-based): chr4:10,501,313, T>G on the plus strand (A>C on the coding strand, the complement: CLNK is on the minus strand). VCF-style: chr4-10501313-T-G. GRCh37 (hg19) VCF-style: chr4-10502937-T-G.
Identifiers: ClinVar variation 402544 (VCV000402544.5), dbSNP rs2903960, ClinGen allele CA2859093.

ClinVar aggregate classification (germline): Benign. Review status: criteria provided, multiple submitters, no conflicts (2 of 4 stars). 2 submissions from 2 submitters: Benign (2). Last evaluated 2016-03-29.

Allele frequency attached by ClinVar (database versions not stated): 1000 Genomes Project 30x 0.98938; 1000 Genomes Project 0.99002; ESP Exome Variant Server 0.99143; TOPMed 0.99196; gnomAD 0.99293; ExAC 0.99764; gnomAD exomes 0.99799 and 0.99924.
gnomAD v4.1: 1,605,177 of 1,607,450 alleles (100%); highest among the groups gnomAD compares: East Asian, 100%; 801,480 homozygotes.

Submissions (2):

Laboratory for Molecular Medicine, Mass General Brigham Personalized Medicine
Classification: Benign. Last evaluated: 2016-03-29. Review status: criteria provided, single submitter. Criteria: LMM Criteria. Collection method: clinical testing. Allele origin: germline.
Comment: Variant identified in a genome or exome case(s) and assessed due to predicted null impact of the variant or pathogenic assertions in the literature or databases. Disclaimer: This variant has not undergone full assessment. The following are preliminary notes: MAF

Breakthrough Genomics
Classification: Benign. Review status: criteria provided, single submitter. Criteria: ACMG Guidelines, 2015. Collection method: not provided. Allele origin: germline. Inheritance: Unknown mechanism. Affected: yes.